The following is an entry in ClinVar:

NM_012388.4(BLOC1S6):c.469G>A (p.Glu157Lys)

Gene: BLOC1S6 (biogenesis of lysosomal organelles complex 1 subunit 6; plus strand). Cytogenetic location: 15q21.1.
Variant type: single nucleotide variant.
Coding change: c.469G>A on transcript NM_012388.4 (MANE Select); coding-DNA position 469, G replaced by A.
Protein change: p.Glu157Lys; replaces glutamic acid 157 with lysine.
Molecular consequence: missense variant. On other transcripts: 3 prime UTR variant (1), non-coding transcript variant (10).
Genome position (GRCh38, 1-based): chr15:45,606,464, G>A. VCF-style: chr15-45606464-G-A. GRCh37 (hg19) VCF-style: chr15-45898662-G-A.
Other names: c.484G>A, p.Glu162Lys (NM_001311255.1); c.*120G>A (NM_001311256.1); c.469G>A (NM_012388.2); short protein forms E162K, E157K.
Identifiers: ClinVar variation 1044941 (VCV001044941.7), dbSNP rs1253763397, ClinGen allele CA392301117.

ClinVar aggregate classification (germline): Uncertain significance. Review status: criteria provided, multiple submitters, no conflicts (2 of 4 stars). 2 submissions from 2 submitters: Uncertain significance (2). Last evaluated 2025-02-27.

Conditions:
Inborn genetic diseases. Identifiers: MedGen C0950123, MeSH D030342.
Hermansky-Pudlak syndrome 9 (HPS9). Identifiers: Orphanet 280663, Orphanet 79430, MedGen C3280026, MONDO:0013606, OMIM 614171.

Allele frequency attached by ClinVar (database versions not stated): gnomAD exomes below 0.00001 and 0.00001.
gnomAD v4.1: 5 of 1,614,124 alleles (0.00031%); highest among the groups gnomAD compares: East Asian, 0.0022%; no homozygotes.

Submissions (2):

Ambry Genetics
Classification: Uncertain significance for Inborn genetic diseases. Last evaluated: 2025-02-27. Review status: criteria provided, single submitter. Criteria: Ambry Variant Classification Scheme 2023. Collection method: clinical testing. Allele origin: germline.

Labcorp Genetics (formerly Invitae), Labcorp
Classification: Uncertain significance for Hermansky-Pudlak syndrome 9. Last evaluated: 2021-08-30. Review status: criteria provided, single submitter. Criteria: Invitae Variant Classification Sherloc (09022015). Collection method: clinical testing. Allele origin: germline.
Comment: This sequence change replaces glutamic acid with lysine at codon 157 of the BLOC1S6 protein (p.Glu157Lys). The glutamic acid residue is highly conserved and there is a small physicochemical difference between glutamic acid and lysine. This variant is not present in population databases (ExAC no frequency). This variant has not been reported in the literature in individuals affected with BLOC1S6-related conditions. Algorithms developed to predict the effect of missense changes on protein structure and function are either unavailable or do not agree on the potential impact of this missense change (SIFT: "Deleterious"; PolyPhen-2: "Probably Damaging"; Align-GVGD: "Class C0"). In summary, the available evidence is currently insufficient to determine the role of this variant in disease. Therefore, it has been classified as a Variant of Uncertain Significance.